The following is an entry in ClinVar:

ClinVar aggregate classification (germline): Conflicting classifications of pathogenicity. Review status: criteria provided, conflicting classifications (1 of 4 stars). 7 submissions from 7 submitters: Uncertain significance (4); Benign (1); Likely benign (1). 1 of the submissions does not count toward it. Last evaluated 2026-01-27.

Conditions:
Polyglucosan body myopathy type 2. Identifiers: Orphanet 456369, MedGen C4015452, MONDO:0014526, OMIM 616199.
Glycogen storage disease XV (GSD15). Also called: GLYCOGENIN DEFICIENCY; GSD XV. Identifiers: Orphanet 263297, MedGen C3150754, MONDO:0013291, OMIM 613507.
Inborn genetic diseases. Identifiers: MedGen C0950123, MeSH D030342.
GYG1-related disorder. Also called: GYG1-related condition.

Allele frequency attached by ClinVar (database versions not stated): 1000 Genomes Project 0.00040; ESP Exome Variant Server 0.00046; 1000 Genomes Project 30x 0.00062; ExAC 0.00083; gnomAD exomes 0.00084 and 0.00092; gnomAD 0.00087 and 0.00092; TOPMed 0.00100.
gnomAD v4.1: 1,403 of 1,613,764 alleles (0.087%); highest among the groups gnomAD compares: Admixed American, 0.092%; no homozygotes.

Submissions (7):

Labcorp Genetics (formerly Invitae), Labcorp
Classification: Benign for Polyglucosan body myopathy type 2; Glycogen storage disease XV. Last evaluated: 2026-01-27. Review status: criteria provided, single submitter. Criteria: Invitae Variant Classification Sherloc (09022015). Collection method: clinical testing. Allele origin: germline.

GeneDx
Classification: Uncertain significance. Last evaluated: 2025-01-22. Review status: criteria provided, single submitter. Criteria: GeneDx Variant Classification Process June 2021. Collection method: clinical testing. Allele origin: germline. Affected: yes.
Comment: In silico analysis supports that this missense variant has a deleterious effect on protein structure/function; Has not been previously published as pathogenic or benign to our knowledge

Mayo Clinic Laboratories, Mayo Clinic
Classification: Likely benign. Last evaluated: 2024-12-23. Review status: criteria provided, single submitter. Criteria: ACMG Guidelines, 2015. Collection method: clinical testing. Allele origin: germline. Observed: 2 variant alleles.
Comment: BS1, BP4_moderate

Blueprint Genetics
Classification: Uncertain significance. Last evaluated: 2024-11-20. Review status: criteria provided, single submitter. Criteria: ACMG Guidelines, 2015. Collection method: clinical testing. Allele origin: germline.

Ambry Genetics
Classification: Uncertain significance for Inborn genetic diseases. Last evaluated: 2021-08-30. Review status: criteria provided, single submitter. Criteria: Ambry Variant Classification Scheme 2023. Collection method: clinical testing. Allele origin: germline.

CeGaT Center for Human Genetics Tuebingen
Classification: Uncertain significance. Last evaluated: 2019-08-01. Review status: criteria provided, single submitter. Criteria: CeGaT Center For Human Genetics Tuebingen Variant Classification Criteria Version 2. Collection method: clinical testing. Allele origin: germline. Affected: yes. Observed: 1 variant allele.

PreventionGenetics, part of Exact Sciences
Classification: Likely benign for GYG1-related condition. Last evaluated: 2024-08-14. Review status: no assertion criteria provided. Collection method: clinical testing. Allele origin: germline. Not counted in ClinVar's aggregate classification.
Comment: This variant is classified as likely benign based on ACMG/AMP sequence variant interpretation guidelines (Richards et al. 2015 PMID: 25741868, with internal and published modifications).

NM_004130.4(GYG1):c.439A>G (p.Asn147Asp)

Gene: GYG1 (glycogenin 1; plus strand). Cytogenetic location: 3q24.
Variant type: single nucleotide variant.
Coding change: c.439A>G on transcript NM_004130.4 (MANE Select); coding-DNA position 439, A replaced by G.
Protein change: p.Asn147Asp; replaces asparagine 147 with aspartic acid.
Molecular consequence: missense variant.
Genome position (GRCh38, 1-based): chr3:148,996,862, A>G. VCF-style: chr3-148996862-A-G. GRCh37 (hg19) VCF-style: chr3-148714649-A-G.
Other names: p.Asn147Asp; c.439A>G, p.Asn147Asp (NM_001184720.2, NM_001184721.2); short protein forms N147D.
Identifiers: ClinVar variation 646200 (VCV000646200.57), dbSNP rs140175164, ClinGen allele CA2658557.